The following is an entry in ClinVar:

NM_198859.4(PRICKLE2):c.40A>G (p.Ser14Gly)

Genes: PRICKLE2 (prickle planar cell polarity protein 2; minus strand), PRICKLE2-AS3 (PRICKLE2 antisense RNA 3; plus strand). Cytogenetic location: 3p14.1.
Variant type: single nucleotide variant.
Coding change: c.40A>G on transcript NM_198859.4 (MANE Select); coding-DNA position 40, A replaced by G.
Protein change: p.Ser14Gly; replaces serine 14 with glycine.
Molecular consequence: missense variant. On other transcripts: non-coding transcript variant (1).
Genome position (GRCh38, 1-based): chr3:64,198,888, T>C on the plus strand (A>G on the coding strand, the complement: PRICKLE2 is on the minus strand). VCF-style: chr3-64198888-T-C. GRCh37 (hg19) VCF-style: chr3-64184564-T-C.
Other names: c.40A>G, p.Ser14Gly (NM_001370528.1); short protein forms S14G.
Identifiers: ClinVar variation 3664659 (VCV003664659.2).

ClinVar aggregate classification (germline): Uncertain significance (1 of 4 stars; one submission).

Conditions:
Progressive myoclonic epilepsy type 5. Identifiers: Orphanet 402082, MedGen C5190799.

gnomAD v4.1: 4 of 1,614,234 alleles (0.00025%); highest among the groups gnomAD compares: Non-Finnish European, 0.00034%; no homozygotes.

Submission:

Labcorp Genetics (formerly Invitae), Labcorp
Classification: Uncertain significance for Progressive myoclonic epilepsy type 5. Last evaluated: 2025-10-02. Review status: criteria provided, single submitter. Criteria: Invitae Variant Classification Sherloc (09022015). Collection method: clinical testing. Allele origin: germline.
Comment: This sequence change replaces serine, which is neutral and polar, with glycine, which is neutral and non-polar, at codon 14 of the PRICKLE2 protein (p.Ser14Gly). This variant is not present in population databases (gnomAD no frequency). This variant has not been reported in the literature in individuals affected with PRICKLE2-related conditions. ClinVar contains an entry for this variant (Variation ID: 3664659). Invitae Evidence Modeling of protein sequence and biophysical properties (such as structural, functional, and spatial information, amino acid conservation, physicochemical variation, residue mobility, and thermodynamic stability) indicates that this missense variant is not expected to disrupt PRICKLE2 protein function with a negative predictive value of 80%. In summary, the available evidence is currently insufficient to determine the role of this variant in disease. Therefore, it has been classified as a Variant of Uncertain Significance.